The following is an entry in ClinVar:

ClinVar aggregate classification (germline): Likely benign. Review status: criteria provided, multiple submitters, no conflicts (2 of 4 stars). 3 submissions from 3 submitters: Likely benign (2). 1 of the submissions does not count toward it. Last evaluated 2025-03-20.

Conditions:
CEBPE-related disorder. Also called: CEBPE-related condition.
Specific granule deficiency. Identifiers: Orphanet 169142, MedGen C0398593, MONDO:0009506.

Allele frequency attached by ClinVar (database versions not stated): gnomAD 0.00001; gnomAD exomes 0.00001; ExAC 0.00002.

Submissions (3):

Labcorp Genetics (formerly Invitae), Labcorp
Classification: Likely benign for Specific granule deficiency. Last evaluated: 2025-03-20. Review status: criteria provided, single submitter. Criteria: Invitae Variant Classification Sherloc (09022015). Collection method: clinical testing. Allele origin: germline.

Blueprint Genetics
Classification: Likely benign. Last evaluated: 2024-04-25. Review status: criteria provided, single submitter. Criteria: ACMG Guidelines, 2015. Collection method: clinical testing. Allele origin: germline.

PreventionGenetics, part of Exact Sciences
Classification: Likely benign for CEBPE-related condition. Last evaluated: 2019-06-04. Review status: no assertion criteria provided. Collection method: clinical testing. Allele origin: germline. Not counted in ClinVar's aggregate classification.
Comment: This variant is classified as likely benign based on ACMG/AMP sequence variant interpretation guidelines (Richards et al. 2015 PMID: 25741868, with internal and published modifications).

NM_001805.4(CEBPE):c.81C>T (p.Pro27=)

Gene: CEBPE (CCAAT enhancer binding protein epsilon; minus strand). Cytogenetic location: 14q11.2.
Variant type: single nucleotide variant.
Coding change: c.81C>T on transcript NM_001805.4 (MANE Select); coding-DNA position 81, C replaced by T.
Protein change: p.Pro27=; no amino-acid change (proline 27 retained).
Molecular consequence: synonymous variant.
Genome position (GRCh38, 1-based): chr14:23,119,011, G>A on the plus strand (C>T on the coding strand, the complement: CEBPE is on the minus strand). VCF-style: chr14-23119011-G-A. GRCh37 (hg19) VCF-style: chr14-23588220-G-A.
Identifiers: ClinVar variation 714332 (VCV000714332.11), dbSNP rs746375669, ClinGen allele CA7111299.